The following is an entry in ClinVar:

NM_018418.5(SPATA7):c.1161-1G>C

Gene: SPATA7 (spermatogenesis associated 7; plus strand). Cytogenetic location: 14q31.3.
Variant type: single nucleotide variant.
Coding change: c.1161-1G>C on transcript NM_018418.5 (MANE Select); the canonical splice acceptor site of the intron before coding-DNA position 1161, G replaced by C.
Molecular consequence: splice acceptor variant.
Genome position (GRCh38, 1-based): chr14:88,437,542, G>C. VCF-style: chr14-88437542-G-C. GRCh37 (hg19) VCF-style: chr14-88903886-G-C.
Other names: c.1065-1G>C (NM_001040428.4).
Identifiers: ClinVar variation 977972 (VCV000977972.6), dbSNP rs779101498, ClinGen allele CA7298755.

ClinVar aggregate classification (germline): Pathogenic. Review status: criteria provided, single submitter (1 of 4 stars). 2 submissions from 2 submitters: Pathogenic (1). 1 of the submissions does not count toward it. Last evaluated 2025-05-12.

Conditions:
Leber congenital amaurosis 3 (LCA3). Also called: SPATA7-Related Retinitis Pigmentosa. Identifiers: MedGen C1858677, MONDO:0011415, OMIM 604232.

Allele frequency attached by ClinVar (database versions not stated): gnomAD exomes below 0.00001; ExAC 0.00001; gnomAD 0.00001; TOPMed 0.00001.
gnomAD v4.1: 5 of 1,608,068 alleles (0.00031%); highest among the groups gnomAD compares: Non-Finnish European, 0.00043%; no homozygotes.

Submissions (2):

Labcorp Genetics (formerly Invitae), Labcorp
Classification: Pathogenic for Leber congenital amaurosis 3. Last evaluated: 2025-05-12. Review status: criteria provided, single submitter. Criteria: Invitae Variant Classification Sherloc (09022015). Collection method: clinical testing. Allele origin: germline.
Comment: This sequence change affects an acceptor splice site in intron 10 of the SPATA7 gene. It is expected to disrupt RNA splicing. Variants that disrupt the donor or acceptor splice site typically lead to a loss of protein function (PMID: 16199547), and loss-of-function variants in SPATA7 are known to be pathogenic (PMID: 19268277, 22334370, 23847139, 26047050, 26261414). This variant is present in population databases (rs779101498, gnomAD 0.0009%). Disruption of this splice site has been observed in individual(s) with Leber congenital amaurosis (PMID: 20104588). In at least one individual the data is consistent with being in trans (on the opposite chromosome) from a pathogenic variant. It has also been observed to segregate with disease in related individuals. ClinVar contains an entry for this variant (Variation ID: 977972). Algorithms developed to predict the effect of sequence changes on RNA splicing suggest that this variant may disrupt the consensus splice site. For these reasons, this variant has been classified as Pathogenic.

Laboratory of Genetics in Ophthalmology, Institut Imagine
Classification: Pathogenic for Leber congenital amaurosis 3. Review status: no assertion criteria provided. Collection method: research. Allele origin: inherited. Affected: yes. Observed: 1 variant allele. Not counted in ClinVar's aggregate classification.

Literature cited by the submitters: PubMed 16199547 (cited by Labcorp Genetics (formerly Invitae), Labcorp); PubMed 19268277 (cited by Labcorp Genetics (formerly Invitae), Labcorp); PubMed 22334370 (cited by Labcorp Genetics (formerly Invitae), Labcorp); PubMed 23847139 (cited by Labcorp Genetics (formerly Invitae), Labcorp); PubMed 26047050 (cited by Labcorp Genetics (formerly Invitae), Labcorp); PubMed 26261414 (cited by Labcorp Genetics (formerly Invitae), Labcorp); PubMed 20104588 (cited by Labcorp Genetics (formerly Invitae), Labcorp and Laboratory of Genetics in Ophthalmology, Institut Imagine).